The following is an entry in ClinVar:

NM_000492.4(CFTR):c.3038C>T (p.Pro1013Leu)

Genes: CFTR (CF transmembrane conductance regulator; plus strand), CFTR-AS2 (CFTR antisense RNA 2; minus strand), LOC111674472 (DNase I hypersensitive sites in introns 16 and 17a of CFTR; plus strand). Cytogenetic location: 7q31.2.
Variant type: single nucleotide variant.
Coding change: c.3038C>T on transcript NM_000492.4 (MANE Select); coding-DNA position 3038, C replaced by T.
Protein change: p.Pro1013Leu; replaces proline 1013 with leucine.
Molecular consequence: missense variant.
Genome position (GRCh38, 1-based): chr7:117,610,568, C>T. VCF-style: chr7-117610568-C-T. GRCh37 (hg19) VCF-style: chr7-117250622-C-T.
Other names: short protein forms P1013L.
Identifiers: ClinVar variation 53634 (VCV000053634.27), dbSNP rs193922516, ClinGen allele CA327022.

ClinVar aggregate classification (germline): Conflicting classifications of pathogenicity. Review status: criteria provided, conflicting classifications (1 of 4 stars). 14 submissions from 14 submitters: Likely pathogenic (5); Uncertain significance (5). 4 of the submissions do not count toward it. Last evaluated 2026-06-30.

Conditions:
CFTR-related disorder (CFTR-RD). Also called: CFTR-related condition; CFTR-related disorders. Identifiers: MedGen C5924204, MONDO:7770004.
Hereditary pancreatitis (PCTT). Also called: PRSS1-Related Hereditary Pancreatitis; Hereditary chronic pancreatitis. Identifiers: Orphanet 676, MedGen C0238339, MONDO:0008185, OMIM 167800.
Bronchiectasis with or without elevated sweat chloride 1 (BESC1). Also called: Cystic Fibrosis-Like Syndrome. Identifiers: Orphanet 60033, MedGen C2749757, MONDO:0008887, OMIM 211400.
Congenital bilateral aplasia of vas deferens from CFTR mutation (CBAVD). Identifiers: Orphanet 48, MedGen C0403814, MONDO:0010178, OMIM 277180. Disease mechanism: loss of function.
Cystic fibrosis (CF). Also called: MUCOVISCIDOSIS. Identifiers: Orphanet 586, MedGen C0010674, MONDO:0009061, OMIM 219700. Disease mechanism: loss of function.

Allele frequency attached by ClinVar (database versions not stated): TOPMed 0.00001.
gnomAD v4.1: 32 of 1,613,332 alleles (0.002%); highest among the groups gnomAD compares: South Asian, 0.024%; no homozygotes.

Submissions 1 to 10 of 14:

Women's Health and Genetics/Laboratory Corporation of America, LabCorp
Classification: Likely pathogenic for Cystic fibrosis. Last evaluated: 2026-06-30. Review status: criteria provided, single submitter. Criteria: LabCorp Variant Classification Summary - May 2015. Collection method: clinical testing. Allele origin: germline.
Comment: Variant summary: CFTR c.3038C>T (p.Pro1013Leu) results in a non-conservative amino acid change in the encoded protein sequence. Algorithms developed to predict the effect of missense changes on protein structure and function all suggest that this variant is likely to be disruptive. The variant allele was found at a frequency of 3.2e-05 in 251138 control chromosomes. c.3038C>T has been observed in the compound heterozygous state or an unknown state in multiple individuals affected with clinical features of Cystic Fibrosis and/or testing positive for CF upon NBS (e.g., Onay_1998, Kilinc_2002, Elahi_2006, Narzi_2007, Schippa_2013, Lucarelli_2015, Castaldo_2020, Bozdogan_2021, Erdoan_2021, Saferali_2022, Ahting_2024, Nunziato_2024, Yldz_2024, Sadeghi_2025, Arik_2025), including at least 1 family where 2 siblings carried a pathogenic variant in trans segregating with disease. These data indicate that the variant may be associated with disease. At least one publication reports experimental evidence evaluating an impact on protein function. The most pronounced variant effect resulted in approximately 30.71% of normal chloride channel conductance relative to wild type (e.g., Bihler_2024). Other missense variant(s) at this amino acid position have been classified by our laboratory as likely pathogenic/pathogenic (p.Pro1013His), suggesting this codon could be critical for normal function of the protein. The following publications have been ascertained in the context of this evaluation (PMID: 37867076, 40955454, 38388235, 12007216, 33572515, 32784480, 11504857, 16436643, 34860163, 11278813, 34426522, 12439892, 25880441, 25910067, 17594398, 37923102, 9521595, 25735457, 39532587, 34996830, 23613805, 26437683, 39031495). ClinVar contains an entry for this variant (Variation ID: 53634). Based on the evidence outlined above, the variant was classified as likely pathogenic.

PreventionGenetics, part of Exact Sciences
Classification: Uncertain significance for CFTR-related condition. Last evaluated: 2025-09-04. Review status: criteria provided, single submitter. Criteria: ACMG Guidelines, 2015. Collection method: clinical testing. Allele origin: germline.
Comment: The CFTR c.3038C>T variant is predicted to result in the amino acid substitution p.Pro1013Leu. This variant has been reported in individuals with cystic fibrosis (CF) and CF-related disorders (see, for example, Onay et al. 1998. PubMed ID: 9521595; Kilinç et al. 2002. PubMed ID: 12439892; Elahi et al. 2006. PubMed ID: 16436643; Lucarelli et al. 2015. PubMed ID: 25910067; Erdoğan et al. 2021. PubMed ID: 34860163). However, in most instances it is not clear if a second pathogenic CFTR variant was detected. This variant has been identified alone, in the homozygous state, or with a second CFTR variant in individuals with a positive newborn screening result but for whom additional clinical characterization and follow-up was not reported (Bozdogan et al. 2021. PubMed ID: 33572515; Turkyilmaz and Yarali. 2021. doi: 10.5455/medscience.2020.10.228). In vitro experimental studies suggest this variant impacts protein function, albeit to a lesser extent than expected for a pathogenic variant, and has a quantifiable response to treatment with a CFTR modulator combination (Hämmerle et al. 2001. PubMed ID: 11278813; Table S1, Bihler et al. 2024. PubMed ID: 38388235). This variant is reported in 0.026% of alleles in individuals of South Asian descent in gnomAD. Although we suspect that this variant may be pathogenic, at this time, the clinical significance of this variant is uncertain due to the absence of conclusive functional and genetic evidence.

Labcorp Genetics (formerly Invitae), Labcorp
Classification: Likely pathogenic for Cystic fibrosis. Last evaluated: 2025-03-20. Review status: criteria provided, single submitter. Criteria: Invitae Variant Classification Sherloc (09022015). Collection method: clinical testing. Allele origin: germline.
Comment: This sequence change replaces proline, which is neutral and non-polar, with leucine, which is neutral and non-polar, at codon 1013 of the CFTR protein (p.Pro1013Leu). This variant is present in population databases (rs193922516, gnomAD 0.02%). This missense change has been observed in individual(s) with cystic fibrosis (PMID: 9521595, 17594398, 23613805, 34860163). In at least one individual the data is consistent with being in trans (on the opposite chromosome) from a pathogenic variant. It has also been observed to segregate with disease in related individuals. ClinVar contains an entry for this variant (Variation ID: 53634). Invitae Evidence Modeling of protein sequence and biophysical properties (such as structural, functional, and spatial information, amino acid conservation, physicochemical variation, residue mobility, and thermodynamic stability) indicates that this missense variant is expected to disrupt CFTR protein function with a positive predictive value of 80%. Experimental studies have shown that this missense change affects CFTR function (PMID: 11278813). In summary, the currently available evidence indicates that the variant is pathogenic, but additional data are needed to prove that conclusively. Therefore, this variant has been classified as Likely Pathogenic.

Blueprint Genetics
Classification: Likely pathogenic for CFTR-related disorders. Last evaluated: 2024-07-17. Review status: criteria provided, single submitter. Criteria: ACMG Guidelines, 2015. Collection method: clinical testing. Allele origin: germline. Affected: yes. Observed: 5 variant alleles.

Fulgent Genetics
Classification: Likely pathogenic for Hereditary pancreatitis; Bronchiectasis with or without elevated sweat chloride 1; Cystic fibrosis; Congenital bilateral aplasia of vas deferens from CFTR mutation. Last evaluated: 2024-05-26. Review status: criteria provided, single submitter. Criteria: ACMG Guidelines, 2015. Collection method: clinical testing. Allele origin: germline.

Mayo Clinic Laboratories, Mayo Clinic
Classification: Uncertain significance. Last evaluated: 2024-01-22. Review status: criteria provided, single submitter. Criteria: ACMG Guidelines, 2015. Collection method: clinical testing. Allele origin: germline. Observed: 1 variant allele.
Comment: PP3, PM3

Genome-Nilou Lab
Classification: Uncertain significance for Cystic fibrosis. Last evaluated: 2021-07-14. Review status: criteria provided, single submitter. Criteria: ACMG Guidelines, 2015. Collection method: clinical testing. Allele origin: germline. Affected: no.

North West Genomic Laboratory Hub, Manchester University NHS Foundation Trust
Classification: Likely pathogenic for Cystic fibrosis. Last evaluated: 2019-11-06. Review status: criteria provided, single submitter. Criteria: ACMG Guidelines, 2015. Collection method: clinical testing. Allele origin: germline. Affected: yes.
Comment: Criteria Codes: PP3 PM3 PM1_Supp PM2

Ambry Genetics
Classification: Uncertain significance for Cystic fibrosis. Last evaluated: 2019-09-12. Review status: criteria provided, single submitter. Criteria: Ambry Variant Classification Scheme 2023. Collection method: clinical testing. Allele origin: germline.
Comment: The p.P1013L variant (also known as c.3038C>T), located in coding exon 19 of the CFTR gene, results from a C to T substitution at nucleotide position 3038. The proline at codon 1013 is replaced by leucine, an amino acid with similar properties. It has also been reported in two siblings with a diagnosis of CF; both siblings were also heterozygous for p.F508del (phase not provided) (Schippa S et al. PLoS ONE, 2013 Apr;8:e61176). This amino acid position is highly conserved in available vertebrate species. In addition, this alteration is predicted to be deleterious by in silico analysis. Based on available evidence to date, the clinical significance of this alteration remains unclear.

Institute for Medical Genetics and Human Genetics, Charité - Universitätsmedizin Berlin
Classification: Uncertain significance for Cystic fibrosis. Review status: criteria provided, single submitter. Criteria: ACMG Guidelines, 2015. Collection method: not provided. Allele origin: germline. Affected: yes.